The following is an entry in ClinVar:

ClinVar aggregate classification (germline): Conflicting classifications of pathogenicity. Review status: criteria provided, conflicting classifications (1 of 4 stars). 4 submissions from 4 submitters: Uncertain significance (3); Likely benign (1). Last evaluated 2025-09-09.

Conditions:
Usher syndrome type 2C. Also called: Usher syndrome, type 2B; USHER SYNDROME, TYPE IIC. Identifiers: Orphanet 231178, Orphanet 886, MedGen C2931213, MONDO:0011558, OMIM 605472.

Allele frequency attached by ClinVar (database versions not stated): TOPMed 0.00023; 1000 Genomes Project 30x 0.00031.
gnomAD v4.1: 45 of 1,613,818 alleles (0.0028%); highest among the groups gnomAD compares: African/African-American, 0.052%; no homozygotes.

Submissions (4):

Labcorp Genetics (formerly Invitae), Labcorp
Classification: Likely benign. Last evaluated: 2025-09-09. Review status: criteria provided, single submitter. Criteria: Invitae Variant Classification Sherloc (09022015). Collection method: clinical testing. Allele origin: germline.

Blueprint Genetics
Classification: Uncertain significance. Last evaluated: 2022-06-28. Review status: criteria provided, single submitter. Criteria: ACMG Guidelines, 2015. Collection method: clinical testing. Allele origin: germline.

Ocular Genomics Institute, Massachusetts Eye and Ear
Classification: Uncertain significance for Usher syndrome type 2C. Last evaluated: 2021-04-08. Review status: criteria provided, single submitter. Criteria: ACMG Guidelines, 2015. Collection method: research. Allele origin: germline. Affected: yes.
Comment: Through a review of available evidence we were able to apply the following criteria: PM2, PP3. Based on this evidence we have classified this variant as Variant of Uncertain Significance.

Eurofins Ntd Llc (ga)
Classification: Uncertain significance. Last evaluated: 2016-05-20. Review status: criteria provided, single submitter. Criteria: EGL Classification Definitions 2015. Collection method: clinical testing. Allele origin: germline. Observed: 1 variant allele, 1 heterozygote.

NM_032119.4(ADGRV1):c.5830G>T (p.Asp1944Tyr)

Gene: ADGRV1 (adhesion G protein-coupled receptor V1; plus strand). Cytogenetic location: 5q14.3.
Variant type: single nucleotide variant.
Coding change: c.5830G>T on transcript NM_032119.4 (MANE Select); coding-DNA position 5830, G replaced by T.
Protein change: p.Asp1944Tyr; replaces aspartic acid 1944 with tyrosine.
Molecular consequence: missense variant. On other transcripts: non-coding transcript variant (1).
Genome position (GRCh38, 1-based): chr5:90,683,751, G>T. VCF-style: chr5-90683751-G-T. GRCh37 (hg19) VCF-style: chr5-89979568-G-T.
Other names: short protein forms D1944Y.
Identifiers: ClinVar variation 287576 (VCV000287576.16), dbSNP rs41302834, ClinGen allele CA3339671.